The following continues an entry in ClinVar:

NM_006269.2(RP1):c.5797C>T (p.Arg1933Ter)

ClinVar aggregate classification (germline): Conflicting classifications of pathogenicity. Pathogenic (8); Uncertain significance (3).

Submissions 10 to 12 of 12:

Laboratory for Molecular Medicine, Mass General Brigham Personalized Medicine
Classification: Uncertain significance. Last evaluated: 2018-12-13. Review status: criteria provided, single submitter. Criteria: LMM Criteria. Collection method: clinical testing. Allele origin: germline. Observed: 1 variant allele.
Comment: Variant classified as Uncertain Significance - Favor Pathogenic. The p.Arg1933X variant in RP1 has been reported in the heterozygous state in 4 individuals with occult macular dystrophy, in 1 homozygous individual with retinitis pigmentosa, and in 4 individuals with hereditary ciliary retinopathy in compound heterozygo sity with an Alu insertion (c.4052_4053ins328) (Fujinami 2016, Li 2018, Maeda 20 18, Nikopoulos 2018). It has also been identified in 0.2% (41/19950) of East Asi an chromosomes by gnomAD.This nonsense varian t leads to a premature termination codon at position 1933. This alteration occur s within the last exon and is, therefore, likely to escape nonsense mediated dec ay (NMD) and result in a truncated protein. In summary, while there is some susp icion for a pathogenic role, the clinical significance of the p.Arg1933X variant is uncertain. ACMG/AMP Criteria applied: PM4, PM3.

Juno Genomics, Hangzhou Juno Genomics, Inc
Classification: Pathogenic for Retinitis pigmentosa 1. Review status: criteria provided, single submitter. Criteria: ACMG Guidelines, 2015. Collection method: clinical testing. Allele origin: germline. Affected: yes.
Comment: Null variant in a gene where loss of function (LOF) is a known mechanism of disease.;For recessive disorders, detected in trans with a pathogenic variant.;Patient's phenotype or family history is highly specific for a disease with a single genetic etiology.;Co-segregation with disease in multiple affected family members.

Department of Ophthalmology and Visual Sciences Kyoto University
Classification: Likely pathogenic for Retinitis pigmentosa. Review status: no assertion criteria provided. Collection method: not provided. Allele origin: unknown. Not counted in ClinVar's aggregate classification.
ClinVar note: Converted during submission from probable-pathogenic to Likely pathogenic.

Literature cited by the submitters: PubMed 42847597 (cited by Department of Ophthalmology, Seoul National University Bundang Hospital); PubMed 30913292 (cited by 4 submitters); PubMed 31253780 (cited by 3 submitters); PubMed 11317367 (cited by Department of Ophthalmology, Seoul National University Bundang Hospital and Laboratory for Molecular Medicine, Mass General Brigham Personalized Medicine); PubMed 12901510 (cited by Department of Ophthalmology, Seoul National University Bundang Hospital); PubMed 15183808 (cited by Department of Ophthalmology, Seoul National University Bundang Hospital and Illumina Laboratory Services, Illumina); PubMed 29425069 (cited by 4 submitters); PubMed 11527933 (cited by Labcorp Genetics (formerly Invitae), Labcorp); PubMed 19933189 (cited by Labcorp Genetics (formerly Invitae), Labcorp); PubMed 30027431 (cited by Labcorp Genetics (formerly Invitae), Labcorp); PubMed 33681214 (cited by Labcorp Genetics (formerly Invitae), Labcorp); PubMed 34073704 (cited by Illumina Laboratory Services, Illumina); PubMed 27623337 (cited by Institute of Human Genetics, Univ. Regensburg, Univ. Regensburg and Laboratory for Molecular Medicine, Mass General Brigham Personalized Medicine); PubMed 11694261 (cited by Institute of Human Genetics, Univ. Regensburg, Univ. Regensburg); PubMed 29785639 (cited by Institute of Human Genetics, Univ. Regensburg, Univ. Regensburg and Laboratory for Molecular Medicine, Mass General Brigham Personalized Medicine); PubMed 31054281 (cited by Institute of Human Genetics, Univ. Regensburg, Univ. Regensburg); PubMed 31964843 (cited by Institute of Human Genetics, Univ. Regensburg, Univ. Regensburg); PubMed 31980526 (cited by Institute of Human Genetics, Univ. Regensburg, Univ. Regensburg); PubMed 33090715 (cited by Institute of Human Genetics, Univ. Regensburg, Univ. Regensburg); PubMed 34721897 (cited by Institute of Human Genetics, Univ. Regensburg, Univ. Regensburg); PubMed 33946315 (cited by Institute of Human Genetics, Univ. Regensburg, Univ. Regensburg); PubMed 33691693 (cited by Institute of Human Genetics, Univ. Regensburg, Univ. Regensburg); PubMed 34183725 (cited by Institute of Human Genetics, Univ. Regensburg, Univ. Regensburg); PubMed 36284460 (cited by Institute of Human Genetics, Univ. Regensburg, Univ. Regensburg); PubMed 36819107 (cited by Institute of Human Genetics, Univ. Regensburg, Univ. Regensburg).